The following is an entry in ClinVar:

ClinVar aggregate classification (germline): Uncertain significance (1 of 4 stars; one submission).

Conditions:
NPC2-related disorder. Also called: NPC2-related condition.

Allele frequency attached by ClinVar (database versions not stated): gnomAD exomes 0.00012; ExAC 0.00036; 1000 Genomes Project 30x 0.00062; 1000 Genomes Project 0.00080; ESP Exome Variant Server 0.00108; gnomAD 0.00123; TOPMed 0.00142.
gnomAD v4.1: 357 of 1,561,884 alleles (0.023%); highest among the groups gnomAD compares: African/African-American, 0.45%; no homozygotes.

Submission:

PreventionGenetics, part of Exact Sciences
Classification: Uncertain significance for NPC2-related condition. Last evaluated: 2026-03-06. Review status: criteria provided, single submitter. Criteria: ACMG Guidelines, 2015. Collection method: clinical testing. Allele origin: germline.
Comment: The NPC2 c.471G>A variant is predicted to result in premature protein termination (p.Trp157*). This variant was previously reported in a large cohort of individuals with inborn errors of immunity (supplementary data, Santos Ferreira et al. 2023. PubMed ID: 37592284). However, in the primary transcript of this gene (NM_006432) listed in the Human Gene Mutation Database, this variant is deep intronic (c.441+30G>A). Additionally, this variant is reported in 0.45% of alleles in individuals of African descent in gnomAD, which may be too frequent to be a primary cause of disease. Although we suspect that this variant may be benign, at this time, the clinical significance of this variant is uncertain due to the absence of conclusive functional and genetic evidence.

NM_006432.5(NPC2):c.441+30G>A

Gene: NPC2 (NPC intracellular cholesterol transporter 2; minus strand). Cytogenetic location: 14q24.3.
Variant type: single nucleotide variant.
Coding change: c.441+30G>A on transcript NM_006432.5 (MANE Select); 30 bases into the intron after coding-DNA position 441, G replaced by A.
Molecular consequence: intron variant. On other transcripts: nonsense (1).
Genome position (GRCh38, 1-based): chr14:74,480,672, C>T on the plus strand (G>A on the coding strand, the complement: NPC2 is on the minus strand). VCF-style: chr14-74480672-C-T. GRCh37 (hg19) VCF-style: chr14-74947375-C-T.
Other names: c.471G>A, p.Trp157Ter (NM_001363688.1); c.364-384G>A (NM_001375440.1); short protein forms W157*.
Identifiers: ClinVar variation 2634095 (VCV002634095.4), dbSNP rs139314541, ClinGen allele CA7268113.